The following is an entry in ClinVar:

ClinVar aggregate classification (germline): Uncertain significance (1 of 4 stars; one submission).

gnomAD v4.1: 7 of 1,613,948 alleles (0.00043%); highest among the groups gnomAD compares: Admixed American, 0.0033%; 1 homozygote.

Submission:

Labcorp Genetics (formerly Invitae), Labcorp
Classification: Uncertain significance. Last evaluated: 2025-08-01. Review status: criteria provided, single submitter. Criteria: Invitae Variant Classification Sherloc (09022015). Collection method: clinical testing. Allele origin: germline.
Comment: This sequence change replaces aspartic acid, which is acidic and polar, with asparagine, which is neutral and polar, at codon 2820 of the KMT2A protein (p.Asp2820Asn). This variant is present in population databases (rs375644428, gnomAD 0.003%). This variant has not been reported in the literature in individuals affected with KMT2A-related conditions. Invitae Evidence Modeling of protein sequence and biophysical properties (such as structural, functional, and spatial information, amino acid conservation, physicochemical variation, residue mobility, and thermodynamic stability) indicates that this missense variant is not expected to disrupt KMT2A protein function with a negative predictive value of 95%. In summary, the available evidence is currently insufficient to determine the role of this variant in disease. Therefore, it has been classified as a Variant of Uncertain Significance.

NM_001197104.2(KMT2A):c.8458G>A (p.Asp2820Asn)

Gene: KMT2A (lysine methyltransferase 2A; plus strand). Cytogenetic location: 11q23.3.
Variant type: single nucleotide variant.
Coding change: c.8458G>A on transcript NM_001197104.2 (MANE Select); coding-DNA position 8458, G replaced by A.
Protein change: p.Asp2820Asn; replaces aspartic acid 2820 with asparagine.
Molecular consequence: missense variant.
Genome position (GRCh38, 1-based): chr11:118,504,350, G>A. VCF-style: chr11-118504350-G-A. GRCh37 (hg19) VCF-style: chr11-118375065-G-A.
Other names: c.8548G>A, p.Asp2850Asn (NM_001412597.1); c.8449G>A, p.Asp2817Asn (NM_005933.4); short protein forms D2817N, D2820N, D2850N.
Identifiers: ClinVar variation 4750714 (VCV004750714.1).